The following is an entry in ClinVar:

NM_000138.5(FBN1):c.140G>A (p.Gly47Asp)

Gene: FBN1 (fibrillin 1; minus strand). Cytogenetic location: 15q21.1.
Variant type: single nucleotide variant.
Coding change: c.140G>A on transcript NM_000138.5 (MANE Select); coding-DNA position 140, G replaced by A.
Protein change: p.Gly47Asp; replaces glycine 47 with aspartic acid.
Molecular consequence: missense variant.
Genome position (GRCh38, 1-based): chr15:48,644,630, C>T on the plus strand (G>A on the coding strand, the complement: FBN1 is on the minus strand). VCF-style: chr15-48644630-C-T. GRCh37 (hg19) VCF-style: chr15-48936827-C-T.
Other names: c.140G>A, p.Gly47Asp (NM_001406716.1, NM_001406717.1, NM_001406718.1); short protein forms G47D.
Identifiers: ClinVar variation 3070488 (VCV003070488.3), dbSNP rs2505821841, ClinGen allele CA392453518.
Genomic context (GRCh38, chr15:48,644,630, plus strand): 5'-GAGACCCACACCAAAGGAGGGAACCGGTTCCTTTACCCTTTAAGCGCGTCGTGTCCTCCA[C>T]CGCCTCTTCTCTTGGCCCGACTGGCTCTGGTTTCCTTCACGTTCCCAGCCTCCAAATTGG-3'
Protein context (NP_000129.3, residues 37-57): TRASRAKRRG[Gly47Asp]GGHDALKGPN

ClinVar aggregate classification (germline): Uncertain significance. Review status: criteria provided, multiple submitters, no conflicts (2 of 4 stars). 3 submissions from 3 submitters: Uncertain significance (3). Last evaluated 2026-02-13.

Conditions:
Familial thoracic aortic aneurysm and aortic dissection (TAAD). Also called: Thoracic aortic aneurysms and dissections. Identifiers: Orphanet 91387, MedGen C4707243, MONDO:0019625.
Marfan syndrome (MFS). Also called: MARFAN SYNDROME, TYPE I; Marfan syndrome type 1; Marfan's syndrome; Marfan syndrome, classic; FBN1-Related Marfan Syndrome. Identifiers: Orphanet 284963, Orphanet 558, MedGen C0024796, MONDO:0007947, OMIM 154700.

Allele frequency attached by ClinVar (database versions not stated): gnomAD exomes below 0.00001.
gnomAD v4.1: 1 of 1,613,904 alleles (0.000062%); highest among the groups gnomAD compares: Non-Finnish European, 0.000085%; no homozygotes.

Submissions (3):

GeneDx
Classification: Uncertain significance. Last evaluated: 2026-02-13. Review status: criteria provided, single submitter. Criteria: GeneDx Variant Classification Process June 2021. Collection method: clinical testing. Allele origin: germline.
Comment: Not observed at significant frequency in large population cohorts (gnomAD); In silico analysis supports that this missense variant has a deleterious effect on protein structure/function; Has not been previously published as pathogenic or benign to our knowledge; Does not affect a cysteine or calcium-binding residue within an EGF-like domain or a TGF-binding protein domain of the FBN1 gene; cysteine substitutions in the EGF-like domains represent the majority of pathogenic missense changes associated with FBN1-related disorders (PMID: 12938084); This variant is associated with the following publications: (PMID: 12938084)

Color Diagnostics, LLC DBA Color Health
Classification: Uncertain significance for Familial thoracic aortic aneurysm and aortic dissection. Last evaluated: 2025-06-26. Review status: criteria provided, single submitter. Criteria: ACMG Guidelines, 2015. Collection method: clinical testing. Allele origin: germline.
Comment: This missense variant replaces glycine with aspartic acid at codon 47 of the FBN1 protein. Computational prediction suggests that this variant may not impact protein structure and function. To our knowledge, functional studies have not been reported for this variant. This variant has not been reported in individuals affected with FBN1-related disorders in the literature. This variant has not been identified in the general population by the Genome Aggregation Database (gnomAD). The available evidence is insufficient to determine the role of this variant in disease conclusively. Therefore, this variant is classified as a Variant of Uncertain Significance.

All of Us Research Program, National Institutes of Health
Classification: Uncertain significance for Marfan syndrome. Last evaluated: 2023-04-27. Review status: criteria provided, single submitter. Criteria: ACMG Guidelines, 2015. Collection method: clinical testing. Allele origin: germline. Inheritance: Autosomal dominant inheritance. Observed: 1 variant allele, 1 heterozygote.
Comment: This study involves interpretation of variants in research participants for the purpose of population health screening. Participant phenotype was not available at the time of variant classification. Additional details can be found in publication PMID: 35346344, PMCID: PMC8962531